The following is an entry in ClinVar:

ClinVar aggregate classification (germline): Uncertain significance (1 of 4 stars; one submission).

Conditions:
Developmental and epileptic encephalopathy, 1 (DEE1). Also called: Epileptic encephalopathy, early infantile, 1; INFANTILE SPASM SYNDROME, X-LINKED 1; X-linked infantile spasms; West's syndrome; Tonic spasms with clustering, arrest of psychomotor development and hypsarrhythmia on EEG; X-Linked Infantile Spasm Syndrome. Identifiers: MedGen C3463992, MONDO:0010632, OMIM 308350. Disease mechanism: loss of function.
Autosomal recessive spinocerebellar ataxia 12. Also called: SPINOCEREBELLAR ATAXIA WITH MENTAL RETARDATION AND EPILEPSY. Identifiers: Orphanet 284282, MedGen C3280452, MONDO:0013687, OMIM 614322.

Submission:

Labcorp Genetics (formerly Invitae), Labcorp
Classification: Uncertain significance for Developmental and epileptic encephalopathy, 1; Autosomal recessive spinocerebellar ataxia 12. Last evaluated: 2022-08-15. Review status: criteria provided, single submitter. Criteria: Invitae Variant Classification Sherloc (09022015). Collection method: clinical testing. Allele origin: germline.
Comment: This sequence change replaces alanine, which is neutral and non-polar, with glycine, which is neutral and non-polar, at codon 253 of the WWOX protein (p.Ala253Gly). This variant is not present in population databases (gnomAD no frequency). In summary, the available evidence is currently insufficient to determine the role of this variant in disease. Therefore, it has been classified as a Variant of Uncertain Significance. Algorithms developed to predict the effect of missense changes on protein structure and function are either unavailable or do not agree on the potential impact of this missense change (SIFT: "Not Available"; PolyPhen-2: "Benign"; Align-GVGD: "Not Available"). ClinVar contains an entry for this variant (Variation ID: 1006986). This variant has not been reported in the literature in individuals affected with WWOX-related conditions.

NM_016373.4(WWOX):c.758C>G (p.Ala253Gly)

Gene: WWOX (WW domain containing oxidoreductase; plus strand). Cytogenetic location: 16q23.1.
Variant type: single nucleotide variant.
Coding change: c.758C>G on transcript NM_016373.4 (MANE Select); coding-DNA position 758, C replaced by G.
Protein change: p.Ala253Gly; replaces alanine 253 with glycine.
Molecular consequence: missense variant.
Genome position (GRCh38, 1-based): chr16:78,425,022, C>G. VCF-style: chr16-78425022-C-G. GRCh37 (hg19) VCF-style: chr16-78458919-C-G.
Other names: c.419C>G, p.Ala140Gly (NM_001291997.2); short protein forms A140G, A253G.
Identifiers: ClinVar variation 1006986 (VCV001006986.9), dbSNP rs771068553, ClinGen allele CA396842952.